The following is an entry in ClinVar:

NM_015898.4(ZBTB7A):c.565G>A (p.Gly189Arg)

Gene: ZBTB7A (zinc finger and BTB domain containing 7A; minus strand). Cytogenetic location: 19p13.3.
Variant type: single nucleotide variant.
Coding change: c.565G>A on transcript NM_015898.4 (MANE Select); coding-DNA position 565, G replaced by A.
Protein change: p.Gly189Arg; replaces glycine 189 with arginine.
Molecular consequence: missense variant.
Genome position (GRCh38, 1-based): chr19:4,054,668, C>T on the plus strand (G>A on the coding strand, the complement: ZBTB7A is on the minus strand). VCF-style: chr19-4054668-C-T. GRCh37 (hg19) VCF-style: chr19-4054666-C-T.
Other names: c.565G>A, p.Gly189Arg (NM_001317990.2); short protein forms G189R.
Identifiers: ClinVar variation 4883571 (VCV004883571.2).

ClinVar aggregate classification (germline): Uncertain significance (1 of 4 stars; one submission).

Submission:

Dasa
Classification: Uncertain significance. Last evaluated: 2025-02-08. Review status: criteria provided, single submitter. Criteria: DASA Assertion Criteria. Collection method: clinical testing. Allele origin: germline.
Comment: NM_015898.4(ZBTB7A):c.565G>A (p.Gly189Arg) is a missense variant that results in the substitution of glycine with arginine. This variant is absent from population databases. Computational prediction algorithms are consistent with a benign effect. The currently available literature and clinical evidence are not sufficient to establish a definitive association between this variant and the reported condition. Therefore, this variant is classified as a variant of uncertain significance.